The following is an entry in ClinVar:

NM_001369268.1(ACAN):c.1322G>C (p.Arg441Thr)

Gene: ACAN (aggrecan; plus strand). Cytogenetic location: 15q26.1.
Variant type: single nucleotide variant.
Coding change: c.1322G>C on transcript NM_001369268.1 (MANE Select); coding-DNA position 1322, G replaced by C.
Protein change: p.Arg441Thr; replaces arginine 441 with threonine.
Molecular consequence: missense variant.
Genome position (GRCh38, 1-based): chr15:88,845,775, G>C. VCF-style: chr15-88845775-G-C. GRCh37 (hg19) VCF-style: chr15-89389006-G-C.
Other names: c.1322G>C, p.Arg441Thr (NM_001135.4, NM_001411096.1, NM_001411097.1 and 1 more transcripts); short protein forms R441T.
Identifiers: ClinVar variation 3699488 (VCV003699488.2).

ClinVar aggregate classification (germline): Uncertain significance (1 of 4 stars; one submission).

Submission:

Labcorp Genetics (formerly Invitae), Labcorp
Classification: Uncertain significance. Last evaluated: 2025-12-08. Review status: criteria provided, single submitter. Criteria: Invitae Variant Classification Sherloc (09022015). Collection method: clinical testing. Allele origin: germline.
Comment: This sequence change replaces arginine, which is basic and polar, with threonine, which is neutral and polar, at codon 441 of the ACAN protein (p.Arg441Thr). This variant is present in population databases (no rsID available, gnomAD 0.007%). This variant has not been reported in the literature in individuals affected with ACAN-related conditions. ClinVar contains an entry for this variant (Variation ID: 3699488). Invitae Evidence Modeling of protein sequence and biophysical properties (such as structural, functional, and spatial information, amino acid conservation, physicochemical variation, residue mobility, and thermodynamic stability) indicates that this missense variant is not expected to disrupt ACAN protein function with a negative predictive value of 80%. In summary, the available evidence is currently insufficient to determine the role of this variant in disease. Therefore, it has been classified as a Variant of Uncertain Significance.